The following is an entry in ClinVar:

ClinVar aggregate classification (germline): Benign/Likely benign. Review status: criteria provided, multiple submitters, no conflicts (2 of 4 stars). 2 submissions from 2 submitters: Benign (1); Likely benign (1). Last evaluated 2025-02-01.

gnomAD v4.1: 998 of 1,610,876 alleles (0.062%); highest among the groups gnomAD compares: African/African-American, 0.88%; 5 homozygotes.

Submissions (2):

CeGaT Center for Human Genetics Tuebingen
Classification: Likely benign. Last evaluated: 2025-02-01. Review status: criteria provided, single submitter. Criteria: CeGaT Center For Human Genetics Tuebingen Variant Classification Criteria Version 2. Collection method: clinical testing. Allele origin: germline. Affected: yes. Observed: 1 variant allele.
Comment: SLC4A3: BP4

Mayo Clinic Laboratories, Mayo Clinic
Classification: Benign. Last evaluated: 2024-07-31. Review status: criteria provided, single submitter. Criteria: ACMG Guidelines, 2015. Collection method: clinical testing. Allele origin: germline. Observed: 5 variant alleles.
Comment: BS1, BS2, BP4_strong

NM_005070.4(SLC4A3):c.677C>T (p.Ser226Leu)

Gene: SLC4A3 (solute carrier family 4 member 3; plus strand). Cytogenetic location: 2q35.
Variant type: single nucleotide variant.
Coding change: c.677C>T on transcript NM_005070.4 (MANE Select); coding-DNA position 677, C replaced by T.
Protein change: p.Ser226Leu; replaces serine 226 with leucine.
Molecular consequence: missense variant. On other transcripts: non-coding transcript variant (1).
Genome position (GRCh38, 1-based): chr2:219,630,218, C>T. VCF-style: chr2-219630218-C-T. GRCh37 (hg19) VCF-style: chr2-220494940-C-T.
Other names: p.Ser253Leu; c.758C>T (NM_201574.2); c.758C>T, p.Ser253Leu (NM_001326559.2, NM_201574.3); short protein forms S226L, S253L.
Identifiers: ClinVar variation 3770895 (VCV003770895.14).
Genomic context (GRCh38, chr2:219,630,218, plus strand): 5'-CCAGCCCCCGGGCCCGGGCCTCCCGACTCGCTGGGGAGAAAAGCCGGCCCTGGAGCCCAT[C>T]GGCCAGTTATGACCTGCGGGAGCGACTGTGCCCAGGCAGTGCCCTGGGCAACCCAGGTGG-3'
Protein context (NP_005061.3, residues 216-236): AGEKSRPWSP[Ser226Leu]ASYDLRERLC